The following is an entry in ClinVar:

ClinVar aggregate classification (germline): Pathogenic/Likely pathogenic. Review status: criteria provided, multiple submitters, no conflicts (2 of 4 stars). 4 submissions from 4 submitters: Pathogenic (1); Likely pathogenic (2). 1 of the submissions does not count toward it. Last evaluated 2026-09-01.

Conditions:
Usher syndrome type 2A. Also called: USHER SYNDROME, TYPE IIA; RETINAL DISEASE IN USHER SYNDROME TYPE IIA, MODIFIER OF. Identifiers: Orphanet 231178, Orphanet 886, MedGen C1848634, MONDO:0010169, OMIM 276901.
Retinitis pigmentosa 39 (RP39). Identifiers: Orphanet 791, MedGen C3151138, MONDO:0013436, OMIM 613809.
USH2A-related disorder. Also called: USH2A-related disorders; USH2A-related condition. Identifiers: MedGen CN239332.

Submissions (4):

PreventionGenetics, part of Exact Sciences
Classification: Likely pathogenic for USH2A-related condition. Last evaluated: 2026-09-01. Review status: criteria provided, single submitter. Criteria: ACMG Guidelines, 2015. Collection method: clinical testing. Allele origin: germline.
Comment: The USH2A c.15037_15043del7 variant is predicted to result in a frameshift and premature protein termination (p.Thr5013Leufs*7). To our knowledge, this variant has not been reported in the literature or in a large population database (gnomAD), indicating this variant is rare. Frameshift variants in USH2A are expected to be pathogenic. This variant is interpreted as likely pathogenic.

Labcorp Genetics (formerly Invitae), Labcorp
Classification: Pathogenic. Last evaluated: 2024-12-30. Review status: criteria provided, single submitter. Criteria: Invitae Variant Classification Sherloc (09022015). Collection method: clinical testing. Allele origin: germline.
Comment: This sequence change creates a premature translational stop signal (p.Thr5013Leufs*7) in the USH2A gene. It is expected to result in an absent or disrupted protein product. Loss-of-function variants in USH2A are known to be pathogenic (PMID: 10729113, 10909849, 20507924, 25649381). This variant is not present in population databases (gnomAD no frequency). This variant has not been reported in the literature in individuals affected with USH2A-related conditions. ClinVar contains an entry for this variant (Variation ID: 554652). For these reasons, this variant has been classified as Pathogenic.

Baylor Genetics
Classification: Likely pathogenic for Retinitis pigmentosa 39. Last evaluated: 2024-03-12. Review status: criteria provided, single submitter. Criteria: ACMG Guidelines, 2015. Collection method: clinical testing. Allele origin: unknown.

Counsyl
Classification: Likely pathogenic for Usher syndrome type 2A; Retinitis pigmentosa 39. Last evaluated: 2017-10-30. Review status: no assertion criteria provided. Collection method: clinical testing. Allele origin: unknown. Not counted in ClinVar's aggregate classification.

Literature cited by the submitters: PubMed 10729113 (cited by Labcorp Genetics (formerly Invitae), Labcorp); PubMed 10909849 (cited by Labcorp Genetics (formerly Invitae), Labcorp); PubMed 20507924 (cited by Labcorp Genetics (formerly Invitae), Labcorp); PubMed 25649381 (cited by Labcorp Genetics (formerly Invitae), Labcorp).

NM_206933.4(USH2A):c.15037_15043del (p.Thr5013fs)

Gene: USH2A (usherin; minus strand). Cytogenetic location: 1q41.
Variant type: Deletion.
Coding change: c.15037_15043del on transcript NM_206933.4 (MANE Select); coding-DNA positions 15037 to 15043, 7 bases deleted (ACCTCTA; older notation c.15037_15043delACCTCTA).
Protein change: p.Thr5013fs; shifts the reading frame from threonine 5013.
Molecular consequence: frameshift variant.
Genome position (GRCh38, 1-based): chr1:215,639,164-215,639,170, TAGAGGT deleted on the plus strand (ACCTCTA on the coding strand, the reverse complement: USH2A is on the minus strand). VCF-style (leftmost placement, unchanged base first): chr1-215639163-GTAGAGGT-G. GRCh37 (hg19) VCF-style: chr1-215812505-GTAGAGGT-G.
Other names: short protein forms T5013fs.
Identifiers: ClinVar variation 554652 (VCV000554652.7), dbSNP rs1553249294, ClinGen allele CA658822631.